The following is an entry in ClinVar:

ClinVar aggregate classification (germline): Uncertain significance (1 of 4 stars; one submission).

Conditions:
Hereditary spastic paraplegia 11. Also called: Nakamura Osame syndrome; Autosomal recessive hereditary spastic paraplegia, mental impairment, and thin corpus callosum; SPASTIC PARAPLEGIA, AUTOSOMAL RECESSIVE, COMPLICATED, WITH THIN CORPUS CALLOSUM; SPASTIC PARAPLEGIA, AUTOSOMAL RECESSIVE, WITH MENTAL IMPAIRMENT AND THIN CORPUS CALLOSUM; Spastic paraplegia, mental retardation and thin corpus callosum; Spastic Paraplegia 11. Identifiers: Orphanet 2822, MedGen C1858479, MONDO:0011445, OMIM 604360.

gnomAD v4.1: 1 of 1,614,218 alleles (0.000062%); highest among the groups gnomAD compares: Non-Finnish European, 0.000085%; no homozygotes.

Submission:

Labcorp Genetics (formerly Invitae), Labcorp
Classification: Uncertain significance for Hereditary spastic paraplegia 11. Last evaluated: 2022-08-23. Review status: criteria provided, single submitter. Criteria: Invitae Variant Classification Sherloc (09022015). Collection method: clinical testing. Allele origin: germline.
Comment: This sequence change replaces alanine, which is neutral and non-polar, with valine, which is neutral and non-polar, at codon 1916 of the SPG11 protein (p.Ala1916Val). This variant is not present in population databases (gnomAD no frequency). This variant has not been reported in the literature in individuals affected with SPG11-related conditions. ClinVar contains an entry for this variant (Variation ID: 1491099). Algorithms developed to predict the effect of missense changes on protein structure and function are either unavailable or do not agree on the potential impact of this missense change (SIFT: "Deleterious"; PolyPhen-2: "Possibly Damaging"; Align-GVGD: "Class C15"). In summary, the available evidence is currently insufficient to determine the role of this variant in disease. Therefore, it has been classified as a Variant of Uncertain Significance.

NM_025137.4(SPG11):c.5747C>T (p.Ala1916Val)

Gene: SPG11 (SPG11 vesicle trafficking associated, spatacsin; minus strand). Cytogenetic location: 15q21.1.
Variant type: single nucleotide variant.
Coding change: c.5747C>T on transcript NM_025137.4 (MANE Select); coding-DNA position 5747, C replaced by T.
Protein change: p.Ala1916Val; replaces alanine 1916 with valine.
Molecular consequence: missense variant.
Genome position (GRCh38, 1-based): chr15:44,583,933, G>A on the plus strand (C>T on the coding strand, the complement: SPG11 is on the minus strand). VCF-style: chr15-44583933-G-A. GRCh37 (hg19) VCF-style: chr15-44876131-G-A.
Other names: c.5747C>T, p.Ala1916Val (NM_001160227.2); short protein forms A1916V.
Identifiers: ClinVar variation 1491099 (VCV001491099.6), dbSNP rs2140946431, ClinGen allele CA392221461.